The following is an entry in ClinVar:

ClinVar aggregate classification (germline): Likely benign. Review status: criteria provided, multiple submitters, no conflicts (2 of 4 stars). 4 submissions from 4 submitters: Likely benign (4). Last evaluated 2025-12-31.

Conditions:
Cardiovascular phenotype. Identifiers: MedGen CN230736.
Alstrom syndrome (ALMS). Identifiers: Orphanet 64, MedGen C0268425, MONDO:0008763, OMIM 203800.

Allele frequency attached by ClinVar (database versions not stated): ExAC below 0.00001; gnomAD 0.00006; TOPMed 0.00009.
gnomAD v4.1: 51 of 1,556,948 alleles (0.0033%); highest among the groups gnomAD compares: African/African-American, 0.018%; no homozygotes.

Submissions (4):

Labcorp Genetics (formerly Invitae), Labcorp
Classification: Likely benign for Alstrom syndrome. Last evaluated: 2025-12-31. Review status: criteria provided, single submitter. Criteria: Invitae Variant Classification Sherloc (09022015). Collection method: clinical testing. Allele origin: germline.

CeGaT Center for Human Genetics Tuebingen
Classification: Likely benign. Last evaluated: 2025-02-01. Review status: criteria provided, single submitter. Criteria: CeGaT Center For Human Genetics Tuebingen Variant Classification Criteria Version 2. Collection method: clinical testing. Allele origin: germline. Affected: yes. Observed: 1 variant allele.
Comment: ALMS1: BP4, BP7

Ambry Genetics
Classification: Likely benign for Cardiovascular phenotype. Last evaluated: 2020-03-17. Review status: criteria provided, single submitter. Criteria: Ambry Variant Classification Scheme 2023. Collection method: clinical testing. Allele origin: germline.

Genetic Services Laboratory, University of Chicago
Classification: Likely benign. Last evaluated: 2019-06-19. Review status: criteria provided, single submitter. Criteria: ACMG Guidelines, 2015. Collection method: clinical testing. Allele origin: germline. Affected: no.

NM_001378454.1(ALMS1):c.279C>T (p.Pro93=)

Gene: ALMS1 (ALMS1 centrosome and basal body associated protein; plus strand). Cytogenetic location: 2p13.1.
Variant type: single nucleotide variant.
Coding change: c.279C>T on transcript NM_001378454.1 (MANE Select); coding-DNA position 279, C replaced by T.
Protein change: p.Pro93=; no amino-acid change (proline 93 retained).
Molecular consequence: synonymous variant.
Genome position (GRCh38, 1-based): chr2:73,386,147, C>T. VCF-style: chr2-73386147-C-T. GRCh37 (hg19) VCF-style: chr2-73613275-C-T.
Other names: c.282C>T, p.Pro94= (NM_015120.4).
Identifiers: ClinVar variation 705349 (VCV000705349.29), dbSNP rs770203539, ClinGen allele CA1712785.